The following is an entry in ClinVar:

NM_000059.4(BRCA2):c.978dup (p.Lys327fs)

Gene: BRCA2 (BRCA2 DNA repair associated; plus strand). Cytogenetic location: 13q13.1.
Variant type: Duplication.
Coding change: c.978dup on transcript NM_000059.4 (MANE Select); coding-DNA position 978, one base duplicated (C; older notation c.978dupC).
Protein change: p.Lys327fs; shifts the reading frame from lysine 327.
Molecular consequence: frameshift variant. On other transcripts: non-coding transcript variant (1), intron variant (1).
Genome position (GRCh38, 1-based): chr13:32,332,456, C duplicated. VCF-style (leftmost placement, unchanged base first): chr13-32332455-G-GC. GRCh37 (hg19) VCF-style: chr13-32906592-G-GC.
Other names: c.978dup, p.Lys327fs (NM_001406719.1, NM_001406720.1, NM_001406721.1 and 1 more transcripts); c.424+1426dup (NM_001406722.1); short protein forms K327fs.
Identifiers: ClinVar variation 4813015 (VCV004813015.1).
Genomic context (GRCh38, chr13:32,332,455, plus strand): 5'-ATAGTTTTTCATTATGTTTTTCTAAATGTAGAACAAAAAATCTACAAAAAGTAAGAACTA[G>GC]CAAGACTAGGAAAAAAATTTTCCATGAAGCAAACGCTGATGAATGTGAAAAATCTAAAAA-3'

ClinVar aggregate classification (germline): Pathogenic (1 of 4 stars; one submission).

Conditions:
Breast-ovarian cancer, familial, susceptibility to, 2 (BROVCA2). Also called: BRCA2 Hereditary Breast and Ovarian Cancer. Identifiers: Orphanet 145, MedGen C2675520, MONDO:0012933, OMIM 612555. Disease mechanism: loss of function.

Submission:

Myriad Genetics, Inc.
Classification: Pathogenic for Breast-ovarian cancer, familial, susceptibility to, 2. Last evaluated: 2025-12-10. Review status: criteria provided, single submitter. Criteria: Myriad Autosomal Dominant, Autosomal Recessive and X-Linked Classification Criteria (2023). Collection method: clinical testing. Allele origin: unknown.
Comment: This variant is considered pathogenic. This variant creates a frameshift predicted to result in premature protein truncation.